The following is an entry in ClinVar:

ClinVar aggregate classification (germline): Uncertain significance (1 of 4 stars; one submission).

Allele frequency attached by ClinVar (database versions not stated): ExAC 0.00001; gnomAD 0.00001; gnomAD exomes 0.00001; TOPMed 0.00001.
gnomAD v4.1: 10 of 1,613,612 alleles (0.00062%); highest among the groups gnomAD compares: East Asian, 0.0089%; no homozygotes.

Submission:

Labcorp Genetics (formerly Invitae), Labcorp
Classification: Uncertain significance. Last evaluated: 2021-09-24. Review status: criteria provided, single submitter. Criteria: Invitae Variant Classification Sherloc (09022015). Collection method: clinical testing. Allele origin: germline.
Comment: This sequence change replaces arginine with glutamine at codon 871 of the SBF1 protein (p.Arg871Gln). The arginine residue is moderately conserved and there is a small physicochemical difference between arginine and glutamine. This variant is present in population databases (rs760922524, ExAC 0.01%). This variant has not been reported in the literature in individuals with SBF1-related conditions. Algorithms developed to predict the effect of missense changes on protein structure and function are either unavailable or do not agree on the potential impact of this missense change (SIFT: "Tolerated"; PolyPhen-2: "Probably Damaging"; Align-GVGD: "Class C0"). In summary, the available evidence is currently insufficient to determine the role of this variant in disease. Therefore, it has been classified as a Variant of Uncertain Significance.

NM_002972.4(SBF1):c.2612G>A (p.Arg871Gln)

Gene: SBF1 (SET binding factor 1; minus strand). Cytogenetic location: 22q13.33.
Variant type: single nucleotide variant.
Coding change: c.2612G>A on transcript NM_002972.4 (MANE Select); coding-DNA position 2612, G replaced by A.
Protein change: p.Arg871Gln; replaces arginine 871 with glutamine.
Molecular consequence: missense variant.
Genome position (GRCh38, 1-based): chr22:50,461,827, C>T on the plus strand (G>A on the coding strand, the complement: SBF1 is on the minus strand). VCF-style: chr22-50461827-C-T. GRCh37 (hg19) VCF-style: chr22-50900256-C-T.
Other names: c.2615G>A, p.Arg872Gln (NM_001365819.1); short protein forms R871Q, R872Q.
Identifiers: ClinVar variation 1370301 (VCV001370301.5), dbSNP rs760922524, ClinGen allele CA10317141.